The following is an entry in ClinVar:

NM_001122681.2(SH3BP2):c.632C>T (p.Thr211Met)

Gene: SH3BP2 (SH3 domain binding protein 2; plus strand). Cytogenetic location: 4p16.3.
Variant type: single nucleotide variant.
Coding change: c.632C>T on transcript NM_001122681.2 (MANE Select); coding-DNA position 632, C replaced by T.
Protein change: p.Thr211Met; replaces threonine 211 with methionine.
Molecular consequence: missense variant.
Genome position (GRCh38, 1-based): chr4:2,829,538, C>T. VCF-style: chr4-2829538-C-T. GRCh37 (hg19) VCF-style: chr4-2831265-C-T.
Other names: c.716C>T, p.Thr239Met (NM_001145855.2); c.803C>T, p.Thr268Met (NM_001145856.2); c.632C>T, p.Thr211Met (NM_003023.4); short protein forms T239M, T211M, T268M.
Identifiers: ClinVar variation 835799 (VCV000835799.9), dbSNP rs375942374, ClinGen allele CA2819281.
Genomic context (GRCh38, chr4:2,829,538, plus strand): 5'-CTCTTTGCTCTGCAGATGCCCTGATGCACCCACCGGCTTACCCACCACCCCCAGTGCCCA[C>T]GCCCAGGAAGCCAGCCTTCTCTGACATGCCCCGGGCCCACTCCTTTACCTCCAAGGGCCC-3'
Protein context (NP_001116153.1, residues 201-221): PPAYPPPPVP[Thr211Met]PRKPAFSDMP

ClinVar aggregate classification (germline): Uncertain significance (1 of 4 stars; one submission).

Conditions:
Fibrous dysplasia of jaw (CRBM). Also called: Cherubism. Identifiers: Orphanet 184, MedGen C0008029, MONDO:0007315, OMIM 118400.

Allele frequency attached by ClinVar (database versions not stated): ExAC 0.00001; gnomAD 0.00002; gnomAD exomes 0.00002 and 0.00003; TOPMed 0.00006; ESP Exome Variant Server 0.00008.
gnomAD v4.1: 49 of 1,613,480 alleles (0.003%); highest among the groups gnomAD compares: Non-Finnish European, 0.0038%; no homozygotes.

Submission:

Labcorp Genetics (formerly Invitae), Labcorp
Classification: Uncertain significance for Fibrous dysplasia of jaw. Last evaluated: 2025-05-26. Review status: criteria provided, single submitter. Criteria: Invitae Variant Classification Sherloc (09022015). Collection method: clinical testing. Allele origin: germline.
Comment: This sequence change replaces threonine, which is neutral and polar, with methionine, which is neutral and non-polar, at codon 211 of the SH3BP2 protein (p.Thr211Met). This variant is present in population databases (rs375942374, gnomAD 0.004%). This variant has not been reported in the literature in individuals affected with SH3BP2-related conditions. ClinVar contains an entry for this variant (Variation ID: 835799). Invitae Evidence Modeling of protein sequence and biophysical properties (such as structural, functional, and spatial information, amino acid conservation, physicochemical variation, residue mobility, and thermodynamic stability) indicates that this missense variant is not expected to disrupt SH3BP2 protein function with a negative predictive value of 80%. In summary, the available evidence is currently insufficient to determine the role of this variant in disease. Therefore, it has been classified as a Variant of Uncertain Significance.